The following is an entry in ClinVar:

NM_000088.4(COL1A1):c.3114dup (p.Thr1039fs)

Gene: COL1A1 (collagen type I alpha 1 chain; minus strand). Cytogenetic location: 17q21.33.
Variant type: Duplication.
Coding change: c.3114dup on transcript NM_000088.4 (MANE Select); coding-DNA position 3114, one base duplicated (G; older notation c.3114dupG).
Protein change: p.Thr1039fs; shifts the reading frame from threonine 1039.
Molecular consequence: frameshift variant.
Genome position (GRCh38, 1-based): chr17:50,188,623, C duplicated on the plus strand (G on the coding strand, the reverse complement: COL1A1 is on the minus strand). VCF-style (leftmost placement, unchanged base first): chr17-50188622-T-TC. GRCh37 (hg19) VCF-style: chr17-48265983-T-TC.
Other names: c.3114dupG (NM_000088.3); short protein forms T1039fs.
Identifiers: ClinVar variation 663020 (VCV000663020.7), dbSNP rs1598288070, ClinGen allele CA915950598.
Genomic context (GRCh38, chr17:50,188,622, plus strand): 5'-GGCCAACGGGGCCAGGGGCACCAGGAGCACCAGGAGCACCAGGGGGTCCAGCGGGGCCGG[T>TC]CTCACCACGGTCACCCTGGCGGGGAGAGCAGGGGAATATGGGTCAGCCCCGGGTGAAGGG-3'

ClinVar aggregate classification (germline): Pathogenic (1 of 4 stars; one submission).

Conditions:
Osteogenesis imperfecta type I (OI1). Also called: OI, TYPE I; OSTEOGENESIS IMPERFECTA TARDA; OSTEOGENESIS IMPERFECTA WITH BLUE SCLERAE; Osteogenesis imperfecta type 1; Lobstein disease; Classic Non-deforming Osteogenesis Imperfecta with Blue Sclerae. Identifiers: Orphanet 216796, Orphanet 666, MedGen C0023931, MONDO:0008146, OMIM 166200. Disease mechanism: loss of function.

Submission:

Labcorp Genetics (formerly Invitae), Labcorp
Classification: Pathogenic for Osteogenesis imperfecta type I. Last evaluated: 2024-02-24. Review status: criteria provided, single submitter. Criteria: Invitae Variant Classification Sherloc (09022015). Collection method: clinical testing. Allele origin: germline.
Comment: This sequence change creates a premature translational stop signal (p.Thr1039Aspfs*27) in the COL1A1 gene. It is expected to result in an absent or disrupted protein product. Loss-of-function variants in COL1A1 are known to be pathogenic (PMID: 7942841, 9295084, 9443882). This variant is not present in population databases (gnomAD no frequency). This variant has not been reported in the literature in individuals affected with COL1A1-related conditions. ClinVar contains an entry for this variant (Variation ID: 663020). For these reasons, this variant has been classified as Pathogenic.

Literature cited by the submitters: PubMed 7942841; PubMed 9295084; PubMed 9443882.